The following is an entry in ClinVar:

NM_004380.3(CREBBP):c.1923del (p.Met640_Tyr641insTer)

Gene: CREBBP (CREB binding lysine acetyltransferase; minus strand). Cytogenetic location: 16p13.3.
Variant type: Deletion.
Coding change: c.1923del on transcript NM_004380.3 (MANE Select); coding-DNA position 1923, one base deleted (C; older notation c.1923delC).
Protein change: p.Met640_Tyr641insTer.
Molecular consequence: nonsense.
Genome position (GRCh38, 1-based): chr16:3,778,718, G deleted on the plus strand (C on the coding strand, the reverse complement: CREBBP is on the minus strand). VCF-style (leftmost placement, unchanged base first): chr16-3778717-CG-C. GRCh37 (hg19) VCF-style: chr16-3828718-CG-C.
Other names: c.1809del, p.Met602_Tyr603insTer (NM_001079846.1).
Identifiers: ClinVar variation 4729038 (VCV004729038.1).

ClinVar aggregate classification (germline): Pathogenic (1 of 4 stars; one submission).

Conditions:
Rubinstein-Taybi syndrome (RSTS). Identifiers: Orphanet 783, MedGen C0035934, MONDO:0019188.

Submission:

Labcorp Genetics (formerly Invitae), Labcorp
Classification: Pathogenic for Rubinstein-Taybi syndrome. Last evaluated: 2025-10-12. Review status: criteria provided, single submitter. Criteria: Invitae Variant Classification Sherloc (09022015). Collection method: clinical testing. Allele origin: germline.
Comment: This sequence change creates a premature translational stop signal (p.Tyr641*) in the CREBBP gene. It is expected to result in an absent or disrupted protein product. Loss-of-function variants in CREBBP are known to be pathogenic (PMID: 17052327, 18792986). This variant is not present in population databases (gnomAD no frequency). This variant has not been reported in the literature in individuals affected with CREBBP-related conditions. Algorithms developed to predict the effect of sequence changes on RNA splicing suggest that this variant may disrupt the consensus splice site. For these reasons, this variant has been classified as Pathogenic.

Literature cited by the submitters: PubMed 17052327; PubMed 18792986.